The following is an entry in ClinVar:

NM_001374828.1(ARID1B):c.4220del (p.Gly1407fs)

Gene: ARID1B (AT-rich interaction domain 1B; plus strand). Cytogenetic location: 6q25.3.
Variant type: Deletion.
Coding change: c.4220del on transcript NM_001374828.1 (MANE Select); coding-DNA position 4220, one base deleted (G; older notation c.4220delG).
Protein change: p.Gly1407fs; shifts the reading frame from glycine 1407.
Molecular consequence: frameshift variant.
Genome position (GRCh38, 1-based): chr6:157,190,199, G deleted; the last of 5 consecutive G bases (chr6:157,190,195-157,190,199); deleting any one gives the same sequence. VCF-style (leftmost placement, unchanged base first): chr6-157190194-TG-T. GRCh37 (hg19) VCF-style: chr6-157511328-TG-T.
Other names: c.1721del, p.Gly574fs (NM_001363725.2); c.4100del, p.Gly1367fs (NM_001371656.1, NM_001374820.1); c.4349del, p.Gly1450fs (NM_001438482.1); c.4262del, p.Gly1421fs (NM_001438483.1); c.4130del, p.Gly1377fs (NM_001438485.1); c.4103del, p.Gly1368fs (NM_001438486.1); c.4040del, p.Gly1347fs (NM_001438487.1); c.1562del, p.Gly521fs (NM_001438488.1); and 1 more; short protein forms G1347fs, G1354fs, G1367fs, G1368fs, G1377fs, G1407fs, G1421fs, G1450fs.
Identifiers: ClinVar variation 4846895 (VCV004846895.1).

ClinVar aggregate classification (germline): Likely pathogenic (1 of 4 stars; one submission).

Conditions:
Coffin-Siris syndrome 1 (CSS1). Also called: ARID1B-Related Coffin-Siris Syndrome; Mental retardation, autosomal dominant 12. Identifiers: Orphanet 1465, MedGen C3281201, MONDO:0007617, OMIM 135900. Disease mechanism: gain of function.

Submission:

Laboratorio de Genetica e Diagnostico Molecular, Hospital Israelita Albert Einstein
Classification: Likely pathogenic for Coffin-Siris syndrome 1. Last evaluated: 2025-08-28. Review status: criteria provided, single submitter. Criteria: ACMG Guidelines, 2015. Collection method: clinical testing. Allele origin: germline. Affected: yes.
Comment: ACMG classification criteria: PVS1 very strong, PM2 supporting